The following is an entry in ClinVar:

NC_000016.9:g.(?_2136184)_(2143097_?)dup

Genes: MIR1225 (microRNA 1225; minus strand), PKD1 (polycystin 1, transient receptor potential channel interacting; minus strand), TSC2 (TSC complex subunit 2; plus strand). Cytogenetic location: 16p13.3.
Variant type: Duplication.
Identifiers: ClinVar variation 1409857 (VCV001409857.4).

ClinVar aggregate classification (germline): Uncertain significance (1 of 4 stars; one submission).

Conditions:
Tuberous sclerosis 2 (TSC2). Identifiers: Orphanet 805, MedGen C1860707, MONDO:0013199, OMIM 613254.

Submission:

Labcorp Genetics (formerly Invitae), Labcorp
Classification: Uncertain significance for Tuberous sclerosis 2. Last evaluated: 2022-04-22. Review status: criteria provided, single submitter. Criteria: Invitae Variant Classification Sherloc (09022015). Collection method: clinical testing. Allele origin: germline.
Comment: This variant results in a copy number gain of the genomic region encompassing exon(s) 37-42 of the TSC2 gene. This region includes the termination codon of the gene. This copy number gain extends beyond the assayed region for this gene and therefore may encompass additional genes. As the precise location of this event is unknown, it may be in tandem or it may be located elsewhere in the genome. This variant has not been reported in the literature in individuals affected with TSC2-related conditions. In summary, the available evidence is currently insufficient to determine the role of this variant in disease. Therefore, it has been classified as a Variant of Uncertain Significance.